The following is an entry in ClinVar:

NM_198253.3(TERT):c.1697C>A (p.Thr566Asn)

Gene: TERT (telomerase reverse transcriptase; minus strand). Cytogenetic location: 5p15.33.
Variant type: single nucleotide variant.
Coding change: c.1697C>A on transcript NM_198253.3 (MANE Select); coding-DNA position 1697, C replaced by A.
Protein change: p.Thr566Asn; replaces threonine 566 with asparagine.
Molecular consequence: missense variant. On other transcripts: non-coding transcript variant (2).
Genome position (GRCh38, 1-based): chr5:1,282,501, G>T on the plus strand (C>A on the coding strand, the complement: TERT is on the minus strand). VCF-style: chr5-1282501-G-T. GRCh37 (hg19) VCF-style: chr5-1282616-G-T.
Other names: c.1697C>A, p.Thr566Asn (NM_001193376.3, NM_003219.1); short protein forms T566N.
Identifiers: ClinVar variation 1778247 (VCV001778247.2), dbSNP rs2478305253, ClinGen allele CA359083033.
Genomic context (GRCh38, chr5:1,282,501, plus strand): 5'-CTTTGCAACTTGCTCCAGACACTCTTCCGGTAGAAAAAGAGCCTGTTCTTTTGAAACGTG[G>T]TCTCCGTGACATAAAAGAAAGACCTGAGCAGCTCGACGACGTACACACTCATCAGCCAGT-3'
Protein context (NP_937983.2, residues 556-576): LLRSFFYVTE[Thr566Asn]TFQKNRLFFY

ClinVar aggregate classification (germline): Uncertain significance (1 of 4 stars; one submission).

Conditions:
Dyskeratosis congenita. Identifiers: Orphanet 1775, MedGen C0265965, MONDO:0015780.

Submission:

Ambry Genetics
Classification: Uncertain significance for Dyskeratosis congenita. Last evaluated: 2022-04-19. Review status: criteria provided, single submitter. Criteria: Ambry Variant Classification Scheme 2023. Collection method: clinical testing. Allele origin: germline.
Comment: The p.T566N variant (also known as c.1697C>A), located in coding exon 3 of the TERT gene, results from a C to A substitution at nucleotide position 1697. The threonine at codon 566 is replaced by asparagine, an amino acid with similar properties. This amino acid position is conserved. In addition, the in silico prediction for this alteration is inconclusive. Since supporting evidence is limited at this time, the clinical significance of this alteration remains unclear.